The following is an entry in ClinVar:

ClinVar aggregate classification (germline): Pathogenic (1 of 4 stars; one submission).

Conditions:
Zellweger spectrum disorders (ZS). Also called: Zellweger Spectrum Disorder (ZSD); Zellweger syndrome; Zellweger Spectrum Disorder; Zellweger Spectrum. Identifiers: Orphanet 912, MedGen C0043459, MONDO:0019609.

Submission:

Natera, Inc.
Classification: Pathogenic for Zellweger syndrome. Last evaluated: 2024-04-11. Review status: criteria provided, single submitter. Criteria: Natera Variant Classification Schema (03/2026). Collection method: clinical testing. Allele origin: germline.
Comment: The c.2666+2T>C variant in PEX6 is a canonical splice donor site variant predicted to affect pre-mRNA splicing, which may result in an abnormal transcript and altered protein product. This variant is expected to result in nonsense mediated decay, truncation, or a dysfunctional protein product. This variant is rare in the general population with a frequency below the threshold expected for the associated phenotype(s). This variant has been observed in one or more individuals affected with the associated recessive disease, as either homozygous or compound heterozygous with a second variant (PMID: 10408779). Functional studies show that this variant may disrupt protein function (PMID: 10408779). Given the available evidence, this variant is classified as Pathogenic.

Literature cited by the submitters: PubMed 10408779.

NM_000287.4(PEX6):c.2666+2T>C

Gene: PEX6 (peroxisomal biogenesis factor 6; minus strand). Cytogenetic location: 6p21.1.
Variant type: single nucleotide variant.
Coding change: c.2666+2T>C on transcript NM_000287.4 (MANE Select); the canonical splice donor site of the intron after coding-DNA position 2666, T replaced by C.
Molecular consequence: splice donor variant.
Genome position (GRCh38, 1-based): chr6:42,965,073, A>G on the plus strand (T>C on the coding strand, the complement: PEX6 is on the minus strand). VCF-style: chr6-42965073-A-G. GRCh37 (hg19) VCF-style: chr6-42932811-A-G.
Other names: c.2402+2T>C (NM_001316313.2).
Identifiers: ClinVar variation 4818118 (VCV004818118.1).